The following is an entry in ClinVar:

ClinVar aggregate classification (germline): Uncertain significance (1 of 4 stars; one submission).

Conditions:
Nephronophthisis 14 (NPHP14). Identifiers: Orphanet 2318, MedGen C3539071, MONDO:0013916, OMIM 614844.

Allele frequency attached by ClinVar (database versions not stated): gnomAD exomes below 0.00001 and 0.00001; ExAC 0.00001.
gnomAD v4.1: 21 of 1,614,088 alleles (0.0013%); highest among the groups gnomAD compares: Non-Finnish European, 0.0018%; no homozygotes.

Submission:

Labcorp Genetics (formerly Invitae), Labcorp
Classification: Uncertain significance for Nephronophthisis 14. Last evaluated: 2022-03-10. Review status: criteria provided, single submitter. Criteria: Invitae Variant Classification Sherloc (09022015). Collection method: clinical testing. Allele origin: germline.
Comment: In summary, the available evidence is currently insufficient to determine the role of this variant in disease. Therefore, it has been classified as a Variant of Uncertain Significance. Algorithms developed to predict the effect of missense changes on protein structure and function are either unavailable or do not agree on the potential impact of this missense change (SIFT: "Deleterious"; PolyPhen-2: "Benign"; Align-GVGD: "Class C0"). ClinVar contains an entry for this variant (Variation ID: 955951). This variant has not been reported in the literature in individuals affected with ZNF423-related conditions. This variant is present in population databases (rs766222312, gnomAD 0.0009%). This sequence change replaces lysine, which is basic and polar, with glutamic acid, which is acidic and polar, at codon 462 of the ZNF423 protein (p.Lys462Glu).

NM_001379286.1(ZNF423):c.1408A>G (p.Lys470Glu)

Gene: ZNF423 (zinc finger protein 423; minus strand). Cytogenetic location: 16q12.1.
Variant type: single nucleotide variant.
Coding change: c.1408A>G on transcript NM_001379286.1 (MANE Select); coding-DNA position 1408, A replaced by G.
Protein change: p.Lys470Glu; replaces lysine 470 with glutamic acid.
Molecular consequence: missense variant.
Genome position (GRCh38, 1-based): chr16:49,637,768, T>C on the plus strand (A>G on the coding strand, the complement: ZNF423 is on the minus strand). VCF-style: chr16-49637768-T-C. GRCh37 (hg19) VCF-style: chr16-49671679-T-C.
Other names: c.1204A>G, p.Lys402Glu (NM_001271620.2); c.1033A>G, p.Lys345Glu (NM_001330533.2); c.1384A>G, p.Lys462Glu (NM_015069.5); short protein forms K402E, K470E, K345E, K462E.
Identifiers: ClinVar variation 955951 (VCV000955951.7), dbSNP rs766222312, ClinGen allele CA8046683.